The following is an entry in ClinVar:

NM_015662.3(IFT172):c.4893C>A (p.Leu1631=)

Genes: IFT172 (intraflagellar transport 172; minus strand), KRTCAP3 (keratinocyte associated protein 3; plus strand). Cytogenetic location: 2p23.3.
Variant type: single nucleotide variant.
Coding change: c.4893C>A on transcript NM_015662.3 (MANE Select); coding-DNA position 4893, C replaced by A.
Protein change: p.Leu1631=; no amino-acid change (leucine 1631 retained).
Molecular consequence: synonymous variant. On other transcripts: intron variant (1).
Genome position (GRCh38, 1-based): chr2:27,445,766, G>T on the plus strand (C>A on the coding strand, the complement: IFT172 is on the minus strand). VCF-style: chr2-27445766-G-T. GRCh37 (hg19) VCF-style: chr2-27668633-G-T.
Other names: c.4827C>A, p.Leu1609= (NM_001410739.1); c.*6-535G>T (NM_001168364.2).
Identifiers: ClinVar variation 1593945 (VCV001593945.12), dbSNP rs1237678953, ClinGen allele CA425412814.

ClinVar aggregate classification (germline): Likely benign. Review status: criteria provided, multiple submitters, no conflicts (2 of 4 stars). 3 submissions from 3 submitters: Likely benign (2). 1 of the submissions does not count toward it. Last evaluated 2025-07-10.

Conditions:
Short-rib thoracic dysplasia 10 with or without polydactyly (SRTD10). Identifiers: Orphanet 474, MedGen C3810175, MONDO:0014284, OMIM 615630.
Retinitis pigmentosa 71 (RP71). Identifiers: Orphanet 791, MedGen C4225342, MONDO:0014618, OMIM 616394.
IFT172-related disorder. Also called: IFT172-related condition; IFT172-related disorders.

Allele frequency attached by ClinVar (database versions not stated): gnomAD exomes below 0.00001; gnomAD 0.00001; TOPMed 0.00004.
gnomAD v4.1: 8 of 1,614,024 alleles (0.0005%); highest among the groups gnomAD compares: Admixed American, 0.013%; 1 homozygote.

Submissions (3):

Labcorp Genetics (formerly Invitae), Labcorp
Classification: Likely benign for Retinitis pigmentosa 71; Short-rib thoracic dysplasia 10 with or without polydactyly. Last evaluated: 2025-07-10. Review status: criteria provided, single submitter. Criteria: Invitae Variant Classification Sherloc (09022015). Collection method: clinical testing. Allele origin: germline.

Blueprint Genetics
Classification: Likely benign. Last evaluated: 2022-01-20. Review status: criteria provided, single submitter. Criteria: ACMG Guidelines, 2015. Collection method: clinical testing. Allele origin: germline.

PreventionGenetics, part of Exact Sciences
Classification: Likely benign for IFT172-related condition. Last evaluated: 2021-01-06. Review status: no assertion criteria provided. Collection method: clinical testing. Allele origin: germline. Not counted in ClinVar's aggregate classification.
Comment: This variant is classified as likely benign based on ACMG/AMP sequence variant interpretation guidelines (Richards et al. 2015 PMID: 25741868, with internal and published modifications).